The following is an entry in ClinVar:

ClinVar aggregate classification (germline): Pathogenic. Review status: criteria provided, multiple submitters, no conflicts (2 of 4 stars). 3 submissions from 3 submitters: Pathogenic (2). 1 of the submissions does not count toward it. Last evaluated 2021-06-02.

Conditions:
Hereditary breast ovarian cancer syndrome. Also called: Hereditary breast and/or ovarian cancer syndrome; Breast and ovarian cancer; Hereditary breast and ovarian cancer syndrome; Hereditary breast and ovarian cancer syndrome (HBOC); BRCA1- and BRCA2-Associated Hereditary Breast and Ovarian Cancer; Hereditary breast and ovarian cancer. Identifiers: Orphanet 145, MedGen C0677776, MeSH D061325, MONDO:0003582. Disease mechanism: loss of function.
Breast-ovarian cancer, familial, susceptibility to, 1 (BROVCA1). Also called: OVARIAN CANCER, SUSCEPTIBILITY TO; BRCA1 Hereditary Breast and Ovarian Cancer. Identifiers: Orphanet 145, MedGen C2676676, MONDO:0011450, OMIM 604370. Disease mechanism: loss of function.
Fanconi anemia, complementation group S (FANCS). Identifiers: MedGen C4554406, MONDO:0054748, OMIM 617883.
Pancreatic cancer, susceptibility to, 4. Identifiers: Orphanet 1333, MedGen C3280442, MONDO:0013685, OMIM 614320.

Submissions (3):

Labcorp Genetics (formerly Invitae), Labcorp
Classification: Pathogenic for Hereditary breast ovarian cancer syndrome. Last evaluated: 2021-06-02. Review status: criteria provided, single submitter. Criteria: Invitae Variant Classification Sherloc (09022015). Collection method: clinical testing. Allele origin: germline.
Comment: This sequence change creates a premature translational stop signal (p.Leu290Tyrfs*8) in the BRCA1 gene. It is expected to result in an absent or disrupted protein product. Loss-of-function variants in BRCA1 are known to be pathogenic (PMID: 20104584). For these reasons, this variant has been classified as Pathogenic. This variant has been observed in individual(s) with breast and/or ovarian cancer (PMID: 28294317, 30720863, 29470806, 11149425). ClinVar contains an entry for this variant (Variation ID: 548826). This variant is not present in population databases (ExAC no frequency).

Juno Genomics, Hangzhou Juno Genomics, Inc
Classification: Pathogenic for Breast-ovarian cancer, familial, susceptibility to, 1; Pancreatic cancer, susceptibility to, 4; Fanconi anemia, complementation group S. Review status: criteria provided, single submitter. Criteria: ACMG Guidelines, 2015. Collection method: clinical testing. Allele origin: germline.
Comment: Absent from controls (or at extremely low frequency if recessive) in Genome Aggregation Database.;Null variant in a gene where loss of function (LOF) is a known mechanism of disease.;The prevalence of the variant in affected individuals is significantly increased compared to the prevalence in controls.

Counsyl
Classification: Pathogenic for Breast-ovarian cancer, familial, susceptibility to, 1. Last evaluated: 2017-12-20. Review status: no assertion criteria provided. Collection method: clinical testing. Allele origin: unknown. Not counted in ClinVar's aggregate classification.

Literature cited by the submitters: PubMed 20104584 (cited by Labcorp Genetics (formerly Invitae), Labcorp); PubMed 28294317 (cited by Labcorp Genetics (formerly Invitae), Labcorp and Counsyl); PubMed 30720863 (cited by Labcorp Genetics (formerly Invitae), Labcorp); PubMed 29470806 (cited by Labcorp Genetics (formerly Invitae), Labcorp); PubMed 11149425 (cited by Labcorp Genetics (formerly Invitae), Labcorp and Counsyl).

NM_007294.4(BRCA1):c.869del (p.Leu290fs)

Gene: BRCA1 (BRCA1 DNA repair associated; minus strand). Cytogenetic location: 17q21.31.
Variant type: Deletion.
Coding change: c.869del on transcript NM_007294.4 (MANE Select); coding-DNA position 869, one base deleted (T; older notation c.869delT).
Protein change: p.Leu290fs; shifts the reading frame from leucine 290.
Molecular consequence: frameshift variant. On other transcripts: 5 prime UTR variant (2), intron variant (137).
Genome position (GRCh38, 1-based): chr17:43,094,662, A deleted on the plus strand (T on the coding strand, the reverse complement: BRCA1 is on the minus strand); the first of 3 consecutive A bases (chr17:43,094,662-43,094,664); deleting any one gives the same sequence. VCF-style (leftmost placement, unchanged base first): chr17-43094661-TA-T. GRCh37 (hg19) VCF-style: chr17-41246678-TA-T.
Other names: c.869delT (NM_007294.3); c.656del, p.Leu219fs (NM_001407571.1, NM_001407853.1, NM_001407894.1 and 9 more transcripts); c.869del, p.Leu290fs (NM_001407581.1, NM_001407582.1, NM_001407583.1 and 30 more transcripts); c.866del, p.Leu289fs (NM_001407587.1, NM_001407590.1, NM_001407591.1 and 22 more transcripts); c.860del, p.Leu287fs (NM_001407646.1, NM_001407647.1); c.746del, p.Leu249fs (NM_001407648.1, NM_001407664.1, NM_001407665.1 and 19 more transcripts); c.743del, p.Leu248fs (NM_001407649.1, NM_001407670.1, NM_001407671.1 and 11 more transcripts); c.791del, p.Leu264fs (NM_001407653.1, NM_001407654.1, NM_001407655.1 and 4 more transcripts); and 41 more; short protein forms L290fs, L243fs, L122fs, L242fs, L248fs, L249fs, L201fs, L223fs.
Identifiers: ClinVar variation 548826 (VCV000548826.13), dbSNP rs1555592956, ClinGen allele CA658824551.